The following is an entry in ClinVar:

NM_014425.5(INVS):c.197C>T (p.Ala66Val)

Gene: INVS (inversin; plus strand). Cytogenetic location: 9q31.1.
Variant type: single nucleotide variant.
Coding change: c.197C>T on transcript NM_014425.5 (MANE Select); coding-DNA position 197, C replaced by T.
Protein change: p.Ala66Val; replaces alanine 66 with valine.
Molecular consequence: missense variant. On other transcripts: 5 prime UTR variant (2), non-coding transcript variant (1).
Genome position (GRCh38, 1-based): chr9:100,126,473, C>T. VCF-style: chr9-100126473-C-T. GRCh37 (hg19) VCF-style: chr9-102888755-C-T.
Other names: c.197C>T (NM_014425.4); c.-180C>T (NM_001318381.2); c.-793C>T (NM_001318382.2); short protein forms A66V.
Identifiers: ClinVar variation 597300 (VCV000597300.7), dbSNP rs772644712, ClinGen allele CA5158099.

ClinVar aggregate classification (germline): Uncertain significance. Review status: criteria provided, multiple submitters, no conflicts (2 of 4 stars). 3 submissions from 3 submitters: Uncertain significance (3). Last evaluated 2025-03-06.

Conditions:
Infantile nephronophthisis (NPHP2). Also called: Nephronophthisis 2, infantile; Nephronophthisis 2. Identifiers: Orphanet 655, Orphanet 93591, MedGen C1865872, MONDO:0011190, OMIM 602088.
INVS-related disorder. Also called: INVS-related condition.

Allele frequency attached by ClinVar (database versions not stated): gnomAD exomes 0.00001 and 0.00002; ExAC 0.00002; gnomAD 0.00003; TOPMed 0.00010.
gnomAD v4.1: 12 of 1,613,976 alleles (0.00074%); highest among the groups gnomAD compares: African/African-American, 0.012%; no homozygotes.

Submissions (3):

PreventionGenetics, part of Exact Sciences
Classification: Uncertain significance for INVS-related condition. Last evaluated: 2025-03-06. Review status: criteria provided, single submitter. Criteria: ACMG Guidelines, 2015. Collection method: clinical testing. Allele origin: germline.
Comment: The INVS c.197C>T variant is predicted to result in the amino acid substitution p.Ala66Val. To our knowledge, this variant has not been reported in the literature. This variant is reported in 0.018% of alleles in individuals of African descent in gnomAD. At this time, the clinical significance of this variant is uncertain due to the absence of conclusive functional and genetic evidence.

Fulgent Genetics
Classification: Uncertain significance for Infantile nephronophthisis. Last evaluated: 2024-05-07. Review status: criteria provided, single submitter. Criteria: ACMG Guidelines, 2015. Collection method: clinical testing. Allele origin: germline.

Eurofins Ntd Llc (ga)
Classification: Uncertain significance. Last evaluated: 2018-05-24. Review status: criteria provided, single submitter. Criteria: EGL ClinVar v180209 classification definitions. Collection method: clinical testing. Allele origin: germline. Observed: 1 variant allele, 1 heterozygote.